The following is an entry in ClinVar:

NM_014989.7(RIMS1):c.1999G>A (p.Ala667Thr)

Gene: RIMS1 (regulating synaptic membrane exocytosis 1; plus strand). Cytogenetic location: 6q13.
Variant type: single nucleotide variant.
Coding change: c.1999G>A on transcript NM_014989.7 (MANE Select); coding-DNA position 1999, G replaced by A.
Protein change: p.Ala667Thr; replaces alanine 667 with threonine.
Molecular consequence: missense variant.
Genome position (GRCh38, 1-based): chr6:72,242,355, G>A. VCF-style: chr6-72242355-G-A. GRCh37 (hg19) VCF-style: chr6-72952058-G-A.
Other names: c.421G>A, p.Ala141Thr (NM_001168407.2, NM_001168408.2, NM_001350414.2 and 37 more transcripts); c.178G>A, p.Ala60Thr (NM_001168409.2, NM_001350468.2, NM_001350469.2 and 6 more transcripts); c.376G>A, p.Ala126Thr (NM_001168410.2, NM_001350470.2, NM_001350472.2 and 2 more transcripts); c.352G>A, p.Ala118Thr (NM_001350421.2, NM_001350424.2, NM_001350428.2 and 6 more transcripts); short protein forms A118T, A60T, A126T, A667T, A141T.
Identifiers: ClinVar variation 2794400 (VCV002794400.3), dbSNP rs2552083029, ClinGen allele CA364676565.
Genomic context (GRCh38, chr6:72,242,355, plus strand): 5'-CCTTTTTTTTAAATTCAAGGGGATGAAGTTCTAGAATGGAATGGTAAACCCCTGCCGGGA[G>A]CTACAAATGAAGAAGTTTACAACATTATTTTAGAATCAAAATCAGAACCTCAAGTTGAAA-3'
Protein context (NP_055804.2, residues 657-677): LEWNGKPLPG[Ala667Thr]TNEEVYNIIL

ClinVar aggregate classification (germline): Uncertain significance (1 of 4 stars; one submission).

Submission:

Labcorp Genetics (formerly Invitae), Labcorp
Classification: Uncertain significance. Last evaluated: 2023-03-18. Review status: criteria provided, single submitter. Criteria: Invitae Variant Classification Sherloc (09022015). Collection method: clinical testing. Allele origin: germline.
Comment: In summary, the available evidence is currently insufficient to determine the role of this variant in disease. Therefore, it has been classified as a Variant of Uncertain Significance. An algorithm developed to predict the effect of missense changes on protein structure and function (PolyPhen-2) suggests that this variant is likely to be disruptive. This variant has not been reported in the literature in individuals affected with RIMS1-related conditions. This variant is not present in population databases (gnomAD no frequency). This sequence change replaces alanine, which is neutral and non-polar, with threonine, which is neutral and polar, at codon 667 of the RIMS1 protein (p.Ala667Thr).